The following is an entry in ClinVar:

ClinVar aggregate classification (germline): Uncertain significance (1 of 4 stars; one submission).

Submission:

GeneDx
Classification: Uncertain significance. Last evaluated: 2024-05-01. Review status: criteria provided, single submitter. Criteria: GeneDx Variant Classification Process June 2021. Collection method: clinical testing. Allele origin: germline. Affected: yes.
Comment: Not observed at significant frequency in large population cohorts (gnomAD); In silico analysis supports that this missense variant has a deleterious effect on protein structure/function; Has not been previously published as pathogenic or benign to our knowledge

NM_138383.3(MTSS2):c.1739G>T (p.Ser580Ile)

Gene: MTSS2 (MTSS I-BAR domain containing 2; minus strand). Cytogenetic location: 16q22.1.
Variant type: single nucleotide variant.
Coding change: c.1739G>T on transcript NM_138383.3 (MANE Select); coding-DNA position 1739, G replaced by T.
Protein change: p.Ser580Ile; replaces serine 580 with isoleucine.
Molecular consequence: missense variant.
Genome position (GRCh38, 1-based): chr16:70,664,182, C>A on the plus strand (G>T on the coding strand, the complement: MTSS2 is on the minus strand). VCF-style: chr16-70664182-C-A. GRCh37 (hg19) VCF-style: chr16-70698085-C-A.
Other names: short protein forms S580I.
Identifiers: ClinVar variation 3373375 (VCV003373375.1).